The following is an entry in ClinVar:

NM_006030.4(CACNA2D2):c.1192A>T (p.Met398Leu)

Gene: CACNA2D2 (calcium voltage-gated channel auxiliary subunit alpha2delta 2; minus strand). Cytogenetic location: 3p21.31.
Variant type: single nucleotide variant.
Coding change: c.1192A>T on transcript NM_006030.4 (MANE Select); coding-DNA position 1192, A replaced by T.
Protein change: p.Met398Leu; replaces methionine 398 with leucine.
Molecular consequence: missense variant.
Genome position (GRCh38, 1-based): chr3:50,379,160, T>A on the plus strand (A>T on the coding strand, the complement: CACNA2D2 is on the minus strand). VCF-style: chr3-50379160-T-A. GRCh37 (hg19) VCF-style: chr3-50416591-T-A.
Other names: c.1192A>T, p.Met398Leu (NM_001005505.3, NM_001174051.3); c.985A>T, p.Met329Leu (NM_001291101.1); c.1192A>T (NM_001174051.1); short protein forms M329L, M398L.
Identifiers: ClinVar variation 949238 (VCV000949238.8), dbSNP rs1705162450, ClinGen allele CA352934416.

ClinVar aggregate classification (germline): Uncertain significance. Review status: criteria provided, multiple submitters, no conflicts (2 of 4 stars). 2 submissions from 2 submitters: Uncertain significance (2). Last evaluated 2025-06-30.

Conditions:
Inborn genetic diseases. Identifiers: MedGen C0950123, MeSH D030342.
Early-infantile DEE. Also called: Early infantile epileptic encephalopathy; Ohtahara syndrome; Early infantile epileptic encephalopathy with suppression bursts. Identifiers: Orphanet 1934, MedGen C0393706, MONDO:0800491.

Allele frequency attached by ClinVar (database versions not stated): TOPMed below 0.00001.
gnomAD v4.1: 1 of 1,613,972 alleles (0.000062%); highest among the groups gnomAD compares: Non-Finnish European, 0.000085%; no homozygotes.

Submissions (2):

Ambry Genetics
Classification: Uncertain significance for Inborn genetic diseases. Last evaluated: 2025-06-30. Review status: criteria provided, single submitter. Criteria: Ambry Variant Classification Scheme 2023. Collection method: clinical testing. Allele origin: germline.

Labcorp Genetics (formerly Invitae), Labcorp
Classification: Uncertain significance for Early-infantile DEE. Last evaluated: 2019-06-03. Review status: criteria provided, single submitter. Criteria: Invitae Variant Classification Sherloc (09022015). Collection method: clinical testing. Allele origin: germline.
Comment: In summary, the available evidence is currently insufficient to determine the role of this variant in disease. Therefore, it has been classified as a Variant of Uncertain Significance. Algorithms developed to predict the effect of missense changes on protein structure and function (SIFT, PolyPhen-2, Align-GVGD) all suggest that this variant is likely to be tolerated, but these predictions have not been confirmed by published functional studies and their clinical significance is uncertain. This variant has not been reported in the literature in individuals with CACNA2D2-related conditions. This variant is not present in population databases (ExAC no frequency). This sequence change replaces methionine with leucine at codon 398 of the CACNA2D2 protein (p.Met398Leu). The methionine residue is moderately conserved and there is a small physicochemical difference between methionine and leucine.